The following is an entry in ClinVar:

ClinVar aggregate classification (germline): Likely benign (1 of 4 stars; one submission).

gnomAD v4.1: 84 of 1,555,994 alleles (0.0054%); highest among the groups gnomAD compares: South Asian, 0.018%; 1 homozygote.

Submission:

CeGaT Center for Human Genetics Tuebingen
Classification: Likely benign. Last evaluated: 2026-07-01. Review status: criteria provided, single submitter. Criteria: CeGaT Center For Human Genetics Tuebingen Variant Classification Criteria Version 2. Collection method: clinical testing. Allele origin: germline. Affected: yes. Observed: 3 variant alleles.
Comment: KDM4B: BP4, BP7

NM_015015.3(KDM4B):c.1155C>G (p.Pro385=)

Gene: KDM4B (lysine demethylase 4B; plus strand). Cytogenetic location: 19p13.3.
Variant type: single nucleotide variant.
Coding change: c.1155C>G on transcript NM_015015.3 (MANE Select); coding-DNA position 1155, C replaced by G.
Protein change: p.Pro385=; no amino-acid change (proline 385 retained).
Molecular consequence: synonymous variant.
Genome position (GRCh38, 1-based): chr19:5,119,692, C>G. VCF-style: chr19-5119692-C-G. GRCh37 (hg19) VCF-style: chr19-5119703-C-G.
Other names: c.1257C>G, p.Pro419= (NM_001411148.1).
Identifiers: ClinVar variation 3770850 (VCV003770850.13).